The following is an entry in ClinVar:

NM_007294.4(BRCA1):c.5566C>G (p.Pro1856Ala)

Gene: BRCA1 (BRCA1 DNA repair associated; minus strand). Cytogenetic location: 17q21.31.
Variant type: single nucleotide variant.
Coding change: c.5566C>G on transcript NM_007294.4 (MANE Select); coding-DNA position 5566, C replaced by G.
Protein change: p.Pro1856Ala; replaces proline 1856 with alanine.
Molecular consequence: missense variant. On other transcripts: 3 prime UTR variant (17).
Genome position (GRCh38, 1-based): chr17:43,045,704, G>C on the plus strand (C>G on the coding strand, the complement: BRCA1 is on the minus strand). VCF-style: chr17-43045704-G-C. GRCh37 (hg19) VCF-style: chr17-41197721-G-C.
Other names: c.5560C>G, p.Pro1854Ala (NM_001407632.1, NM_001407633.1, NM_001407634.1 and 13 more transcripts); c.5482C>G, p.Pro1828Ala (NM_001407659.1, NM_001407660.1, NM_001407661.1 and 2 more transcripts); c.5554C>G, p.Pro1852Ala (NM_001407646.1); c.5551C>G, p.Pro1851Ala (NM_001407647.1); c.5509C>G, p.Pro1837Ala (NM_001407648.1); c.5488C>G, p.Pro1830Ala (NM_001407653.1, NM_001407654.1, NM_001407652.1 and 1 more transcripts); c.5557C>G, p.Pro1853Ala (NM_001407644.1, NM_001407645.1); c.5485C>G, p.Pro1829Ala (NM_001407657.1, NM_001407658.1, NM_001407656.1); and 74 more; short protein forms P1744A, P1745A, P1772A, P1785A, P1789A, P1807A, P1809A, P1813A.
Identifiers: ClinVar variation 2954773 (VCV002954773.3), dbSNP rs80357274, ClinGen allele CA10590192.

ClinVar aggregate classification (germline): Uncertain significance (1 of 4 stars; one submission).

Conditions:
Hereditary breast ovarian cancer syndrome. Also called: Hereditary breast and ovarian cancer; Hereditary breast and ovarian cancer syndrome (HBOC); Hereditary breast and/or ovarian cancer syndrome; BRCA1- and BRCA2-Associated Hereditary Breast and Ovarian Cancer; Breast and ovarian cancer; Hereditary breast and ovarian cancer syndrome. Identifiers: Orphanet 145, MedGen C0677776, MeSH D061325, MONDO:0003582. Disease mechanism: loss of function.

Submission:

Labcorp Genetics (formerly Invitae), Labcorp
Classification: Uncertain significance for Hereditary breast ovarian cancer syndrome. Last evaluated: 2023-11-21. Review status: criteria provided, single submitter. Criteria: Invitae Variant Classification Sherloc (09022015). Collection method: clinical testing. Allele origin: germline.
Comment: This sequence change replaces proline, which is neutral and non-polar, with alanine, which is neutral and non-polar, at codon 1856 of the BRCA1 protein (p.Pro1856Ala). This variant is not present in population databases (gnomAD no frequency). This variant has not been reported in the literature in individuals affected with BRCA1-related conditions. Advanced modeling of protein sequence and biophysical properties (such as structural, functional, and spatial information, amino acid conservation, physicochemical variation, residue mobility, and thermodynamic stability) performed at Invitae indicates that this missense variant is not expected to disrupt BRCA1 protein function with a negative predictive value of 95%. In summary, the available evidence is currently insufficient to determine the role of this variant in disease. Therefore, it has been classified as a Variant of Uncertain Significance.